The following is an entry in ClinVar:

NM_001256789.3(CACNA1F):c.3478C>T (p.Arg1160Cys)

Gene: CACNA1F (calcium voltage-gated channel subunit alpha1 F; minus strand). Cytogenetic location: Xp11.23.
Variant type: single nucleotide variant.
Coding change: c.3478C>T on transcript NM_001256789.3 (MANE Select); coding-DNA position 3478, C replaced by T.
Protein change: p.Arg1160Cys; replaces arginine 1160 with cysteine.
Molecular consequence: missense variant.
Genome position (GRCh38, 1-based): chrX:49,215,205, G>A on the plus strand (C>T on the coding strand, the complement: CACNA1F is on the minus strand). VCF-style: chrX-49215205-G-A. GRCh37 (hg19) VCF-style: chrX-49071665-G-A.
Other names: c.3511C>T (NM_005183.2); c.3316C>T, p.Arg1106Cys (NM_001256790.3); c.3511C>T, p.Arg1171Cys (NM_005183.4); short protein forms R1106C, R1171C, R1160C.
Identifiers: ClinVar variation 2957253 (VCV002957253.4), dbSNP rs376061476, ClinGen allele CA10410442.

ClinVar aggregate classification (germline): Uncertain significance. Review status: criteria provided, multiple submitters, no conflicts (2 of 4 stars). 2 submissions from 2 submitters: Uncertain significance (2). Last evaluated 2025-02-02.

Conditions:
Inborn genetic diseases. Identifiers: MedGen C0950123, MeSH D030342.

Allele frequency attached by ClinVar (database versions not stated): TOPMed 0.00002; ExAC 0.00005; ESP Exome Variant Server 0.00009.
gnomAD v4.1: 23 of 1,208,486 alleles (0.0019%); highest among the groups gnomAD compares: South Asian, 0.014%; no homozygotes.

Submissions (2):

Ambry Genetics
Classification: Uncertain significance for Inborn genetic diseases. Last evaluated: 2025-02-02. Review status: criteria provided, single submitter. Criteria: Ambry Variant Classification Scheme 2023. Collection method: clinical testing. Allele origin: germline.

Labcorp Genetics (formerly Invitae), Labcorp
Classification: Uncertain significance. Last evaluated: 2024-01-16. Review status: criteria provided, single submitter. Criteria: Invitae Variant Classification Sherloc (09022015). Collection method: clinical testing. Allele origin: germline.
Comment: This sequence change replaces arginine, which is basic and polar, with cysteine, which is neutral and slightly polar, at codon 1171 of the CACNA1F protein (p.Arg1171Cys). This variant is present in population databases (rs376061476, gnomAD 0.008%). This variant has not been reported in the literature in individuals affected with CACNA1F-related conditions. Advanced modeling of protein sequence and biophysical properties (such as structural, functional, and spatial information, amino acid conservation, physicochemical variation, residue mobility, and thermodynamic stability) performed at Invitae indicates that this missense variant is not expected to disrupt CACNA1F protein function with a negative predictive value of 80%. In summary, the available evidence is currently insufficient to determine the role of this variant in disease. Therefore, it has been classified as a Variant of Uncertain Significance.